The following is an entry in ClinVar:

ClinVar aggregate classification (germline): Benign. Review status: criteria provided, multiple submitters, no conflicts (2 of 4 stars). 2 submissions from 2 submitters: Benign (2). Last evaluated 2018-01-12.

Conditions:
Autosomal dominant nocturnal frontal lobe epilepsy 4. Also called: EPILEPSY, FAMILIAL, WITH NOCTURNAL WANDERING AND ICTAL FEAR; CHRNA2-Related Nocturnal Frontal Lobe Epilepsy, Autosomal Dominant. Identifiers: Orphanet 98784, MedGen C1835905, MONDO:0012474, OMIM 610353.

Allele frequency attached by ClinVar (database versions not stated): gnomAD exomes 0.79730; 1000 Genomes Project 0.80571; 1000 Genomes Project 30x 0.80778; gnomAD 0.85654 and 0.86065; TOPMed 0.85944.
gnomAD v4.1: 130,545 of 152,306 alleles (86%); highest among the groups gnomAD compares: Middle Eastern, 94%; 56,264 homozygotes.

Submissions (2):

Illumina Laboratory Services, Illumina
Classification: Benign for Autosomal dominant nocturnal frontal lobe epilepsy 4. Last evaluated: 2018-01-12. Review status: criteria provided, single submitter. Criteria: ICSL Variant Classification Criteria 13 December 2019. Collection method: clinical testing. Allele origin: germline.
Comment: This variant was observed in the ICSL laboratory as part of a predisposition screen in an ostensibly healthy population. It had not been previously curated by ICSL or reported in the Human Gene Mutation Database (HGMD: prior to June 1st, 2018), and was therefore a candidate for classification through an automated scoring system. Utilizing variant allele frequency, disease prevalence and penetrance estimates, and inheritance mode, an automated score was calculated to assess if this variant is too frequent to cause the disease. Based on the score and internal cut-off values, a variant classified as benign is not then subjected to further curation. The score for this variant resulted in a classification of benign for this disease.

Breakthrough Genomics
Classification: Benign. Review status: criteria provided, single submitter. Criteria: ACMG Guidelines, 2015. Collection method: not provided. Allele origin: germline. Inheritance: Autosomal dominant inheritance. Affected: yes.

NM_000742.4(CHRNA2):c.*1809T>C

Gene: CHRNA2 (cholinergic receptor nicotinic alpha 2 subunit; minus strand). Cytogenetic location: 8p21.2.
Variant type: single nucleotide variant.
Coding change: c.*1809T>C on transcript NM_000742.4 (MANE Select); 1809 bases downstream of the stop codon, T replaced by C.
Molecular consequence: 3 prime UTR variant.
Genome position (GRCh38, 1-based): chr8:27,459,820, A>G on the plus strand (T>C on the coding strand, the complement: CHRNA2 is on the minus strand). VCF-style: chr8-27459820-A-G. GRCh37 (hg19) VCF-style: chr8-27317337-A-G.
Other names: c.*1809T>C (NM_001282455.2, NM_001347705.2, NM_001347706.2 and 2 more transcripts).
Identifiers: ClinVar variation 362664 (VCV000362664.6), dbSNP rs2280375, ClinGen allele CA10627560.